The following continues an entry in ClinVar:

NM_000545.8(HNF1A):c.872dup (p.Gly292fs)

Gene: HNF1A. ClinVar aggregate classification (germline): Pathogenic. Pathogenic (1).

Submissions 16 to 21 of 21:

Genetic Services Laboratory, University of Chicago
Classification: Pathogenic for Diabetes mellitus type 1. Last evaluated: 2022-01-11. Review status: no assertion criteria provided. Collection method: clinical testing. Allele origin: germline. Affected: yes. Not counted in ClinVar's aggregate classification.
Comment: DNA sequence analysis of the HNF1A gene demonstrated a single base pair duplication in exon 4, c.872dup. This pathogenic sequence change results in an amino acid frameshift and creates a premature stop codon 24 amino acids downstream of the mutation, p.Gly292Argfs*25. This pathogenic sequence change is predicted to result in an abnormal transcript, which may be degraded, or may lead to the production of a truncated HNF1A protein with potentially abnormal function. This pathogenic sequence change has previously been described in multiple patients and families with HNF1A-related MODY (PMIDs: 8945470, 27913849, PMID: 29666556).

OMIM
Classification: Pathogenic for MATURITY-ONSET DIABETES OF THE YOUNG, TYPE 3. Last evaluated: 2005-03-01. Review status: no assertion criteria provided. Collection method: literature only. Allele origin: germline. Not counted in ClinVar's aggregate classification.

OMIM
Classification: Pathogenic for RENAL CELL CARCINOMA, CLEAR CELL. Last evaluated: 2005-03-01. Review status: no assertion criteria provided. Collection method: literature only. Allele origin: germline. Not counted in ClinVar's aggregate classification.

OMIM
Classification: Pathogenic for HEPATIC ADENOMA, SOMATIC. Last evaluated: 2005-03-01. Review status: no assertion criteria provided. Collection method: literature only. Allele origin: somatic. Not counted in ClinVar's aggregate classification.

OMIM
Classification: Pathogenic for TYPE 1 DIABETES MELLITUS 20. Last evaluated: 2005-03-01. Review status: no assertion criteria provided. Collection method: literature only. Allele origin: germline. Not counted in ClinVar's aggregate classification.

Seattle Children's Hospital Molecular Genetics Laboratory, Seattle Children's Hospital
Classification: Pathogenic for DiGeorge syndrome. Review status: no assertion criteria provided. Collection method: clinical testing. Allele origin: germline. Affected: yes. Not counted in ClinVar's aggregate classification.

Literature cited by the submitters: PubMed 15928245 (cited by Labcorp Genetics (formerly Invitae), Labcorp and Athena Diagnostics); PubMed 18003757 (cited by Labcorp Genetics (formerly Invitae), Labcorp); PubMed 8945470 (cited by 5 submitters); PubMed 28862987 (cited by Labcorp Genetics (formerly Invitae), Labcorp and Athena Diagnostics); PubMed 35299962 (cited by Rady Children's Institute for Genomic Medicine, Rady Children's Hospital San Diego); PubMed 37492105 (cited by Rady Children's Institute for Genomic Medicine, Rady Children's Hospital San Diego); PubMed 34373539 (cited by Rady Children's Institute for Genomic Medicine, Rady Children's Hospital San Diego and Victorian Clinical Genetics Services, Murdoch Childrens Research Institute); PubMed 25555642 (cited by Rady Children's Institute for Genomic Medicine, Rady Children's Hospital San Diego and Victorian Clinical Genetics Services, Murdoch Childrens Research Institute); PubMed 12530534 (cited by Athena Diagnostics); PubMed 21628466 (cited by Athena Diagnostics); PubMed 23607861 (cited by Athena Diagnostics); PubMed 23551881 (cited by Athena Diagnostics); PubMed 21051477 (cited by Athena Diagnostics); PubMed 25174781 (cited by Athena Diagnostics and Broad Center for Mendelian Genomics, Broad Institute of MIT and Harvard); PubMed 29417725 (cited by Athena Diagnostics); PubMed 30814848 (cited by Athena Diagnostics); PubMed 10333057 (cited by Athena Diagnostics); PubMed 10447526 (cited by Athena Diagnostics); PubMed 10754480 (cited by Athena Diagnostics); PubMed 11315851 (cited by Athena Diagnostics); PubMed 12050210 (cited by Athena Diagnostics and Women's Health and Genetics/Laboratory Corporation of America, LabCorp); PubMed 12574234 (cited by Athena Diagnostics and OMIM); PubMed 12618559 (cited by Athena Diagnostics); PubMed 17054605 (cited by Athena Diagnostics); PubMed 17407387 (cited by Athena Diagnostics); PubMed 17440016 (cited by Athena Diagnostics); PubMed 17573900 (cited by Athena Diagnostics and Broad Center for Mendelian Genomics, Broad Institute of MIT and Harvard); PubMed 17937063 (cited by Athena Diagnostics); PubMed 17989309 (cited by Athena Diagnostics and Women's Health and Genetics/Laboratory Corporation of America, LabCorp); PubMed 9032114 (cited by Athena Diagnostics and OMIM); PubMed 9045858 (cited by Athena Diagnostics); PubMed 9075818 (cited by Athena Diagnostics); PubMed 9166684 (cited by Athena Diagnostics and Women's Health and Genetics/Laboratory Corporation of America, LabCorp); PubMed 9313763 (cited by 3 submitters); PubMed 23348805 (cited by Laboratory for Molecular Medicine, Mass General Brigham Personalized Medicine and Ambry Genetics); PubMed 14747304 (cited by Ambry Genetics); PubMed 32741144 (cited by Clinical Genomics, Uppaluri K&H Personalized Medicine Clinic); PubMed 9439666 (cited by OMIM); PubMed 11058894 (cited by OMIM); PubMed 12355088 (cited by OMIM); PubMed 15649945 (cited by OMIM); PubMed 8866553 (cited by OMIM).